The following is an entry in ClinVar:

ClinVar aggregate classification (germline): Conflicting classifications of pathogenicity. Review status: criteria provided, conflicting classifications (1 of 4 stars). 2 submissions from 2 submitters: Uncertain significance (1); Likely benign (1). Last evaluated 2025-07-02.

Conditions:
Adams-Oliver syndrome 5 (AOS5). Identifiers: Orphanet 974, MedGen C4014970, MONDO:0014459, OMIM 616028.

gnomAD v4.1: 2 of 1,612,884 alleles (0.00012%); highest among the groups gnomAD compares: Non-Finnish European, 0.00017%; no homozygotes.

Submissions (2):

Labcorp Genetics (formerly Invitae), Labcorp
Classification: Likely benign for Adams-Oliver syndrome 5. Last evaluated: 2025-07-02. Review status: criteria provided, single submitter. Criteria: Invitae Variant Classification Sherloc (09022015). Collection method: clinical testing. Allele origin: germline.

GeneDx
Classification: Uncertain significance. Last evaluated: 2023-12-21. Review status: criteria provided, single submitter. Criteria: GeneDx Variant Classification Process June 2021. Collection method: clinical testing. Allele origin: germline. Affected: yes.
Comment: Has not been previously published as pathogenic or benign to our knowledge; Not observed at significant frequency in large population cohorts (gnomAD); In silico analysis supports that this missense variant has a deleterious effect on protein structure/function

NM_017617.5(NOTCH1):c.6974C>T (p.Pro2325Leu)

Gene: NOTCH1 (notch receptor 1; minus strand). Cytogenetic location: 9q34.3.
Variant type: single nucleotide variant.
Coding change: c.6974C>T on transcript NM_017617.5 (MANE Select); coding-DNA position 6974, C replaced by T.
Protein change: p.Pro2325Leu; replaces proline 2325 with leucine.
Molecular consequence: missense variant.
Genome position (GRCh38, 1-based): chr9:136,496,765, G>A on the plus strand (C>T on the coding strand, the complement: NOTCH1 is on the minus strand). VCF-style: chr9-136496765-G-A. GRCh37 (hg19) VCF-style: chr9-139391217-G-A.
Other names: short protein forms P2325L.
Identifiers: ClinVar variation 3370196 (VCV003370196.2).
Genomic context (GRCh38, chr9:136,496,765, plus strand): 5'-CCATGCTGCAGGGAGGGGGCCTGTGTGCTCAGGGGGCCTGGTGCCACACTCCCCCGCAGA[G>A]GGTTGTATTGGTTCGGCACCATGCCGCTCTGCAGCCGGGACAGCCACTCGCATTGACCAT-3'
Protein context (NP_060087.3, residues 2315-2335): QSGMVPNQYN[Pro2325Leu]LRGSVAPGPL